The following is an entry in ClinVar:

NM_080425.4(GNAS):c.178C>A (p.Pro60Thr)

Gene: GNAS (GNAS complex locus; plus strand). Cytogenetic location: 20q13.32.
Variant type: single nucleotide variant.
Coding change: c.178C>A on transcript NM_080425.4 (MANE Plus Clinical); coding-DNA position 178, C replaced by A.
Protein change: p.Pro60Thr; replaces proline 60 with threonine.
Molecular consequence: missense variant. On other transcripts: 5 prime UTR variant (2), intron variant (3).
Genome position (GRCh38, 1-based): chr20:58,853,443, C>A. VCF-style: chr20-58853443-C-A. GRCh37 (hg19) VCF-style: chr20-57428498-C-A.
Other names: c.-10C>A (NM_001077490.3, NM_001309883.1); c.178C>A, p.Pro60Thr (NM_001410913.1); c.*42+12557C>A (NM_016592.5); c.43+12557C>A (NM_001410912.1); c.-39+11568C>A (NM_001309861.2); short protein forms P60T.
Identifiers: ClinVar variation 3358126 (VCV003358126.2).

ClinVar aggregate classification (germline): Uncertain significance (1 of 4 stars; one submission).

Conditions:
GNAS-related disorder. Identifiers: MedGen CN380105.

gnomAD v4.1: 1 of 1,609,772 alleles (0.000062%); highest among the groups gnomAD compares: Non-Finnish European, 0.000085%; no homozygotes.

Submission:

PreventionGenetics, part of Exact Sciences
Classification: Uncertain significance for GNAS-related condition. Last evaluated: 2026-04-14. Review status: criteria provided, single submitter. Criteria: ACMG Guidelines, 2015. Collection method: clinical testing. Allele origin: germline.
Comment: The GNAS c.178C>A variant is predicted to result in the amino acid substitution p.Pro60Thr. To our knowledge, this variant has not been reported in the literature or in a large population database, indicating this variant is rare. At this time, the clinical significance of this variant is uncertain due to the absence of conclusive functional and genetic evidence.